The following is an entry in ClinVar:

NM_003126.4(SPTA1):c.3406G>T (p.Asp1136Tyr)

Gene: SPTA1 (spectrin alpha, erythrocytic 1; minus strand). Cytogenetic location: 1q23.1.
Variant type: single nucleotide variant.
Coding change: c.3406G>T on transcript NM_003126.4 (MANE Select); coding-DNA position 3406, G replaced by T.
Protein change: p.Asp1136Tyr; replaces aspartic acid 1136 with tyrosine.
Molecular consequence: missense variant.
Genome position (GRCh38, 1-based): chr1:158,651,438, C>A on the plus strand (G>T on the coding strand, the complement: SPTA1 is on the minus strand). VCF-style: chr1-158651438-C-A. GRCh37 (hg19) VCF-style: chr1-158621228-C-A.
Other names: short protein forms D1136Y.
Identifiers: ClinVar variation 3359327 (VCV003359327.2).

ClinVar aggregate classification (germline): Uncertain significance. Review status: criteria provided, multiple submitters, no conflicts (2 of 4 stars). 2 submissions from 2 submitters: Uncertain significance (2). Last evaluated 2024-12-10.

gnomAD v4.1: 42 of 1,613,596 alleles (0.0026%); highest among the groups gnomAD compares: Non-Finnish European, 0.0036%; no homozygotes.

Submissions (2):

Revvity Omics, Revvity
Classification: Uncertain significance. Last evaluated: 2024-12-10. Review status: criteria provided, single submitter. Criteria: ACMG Guidelines, 2015. Collection method: clinical testing. Allele origin: germline.

GeneDx
Classification: Uncertain significance. Last evaluated: 2023-06-08. Review status: criteria provided, single submitter. Criteria: GeneDx Variant Classification Process June 2021. Collection method: clinical testing. Allele origin: germline. Affected: yes.
Comment: In silico analysis supports that this missense variant has a deleterious effect on protein structure/function; Has not been previously published as pathogenic or benign to our knowledge